The following is an entry in ClinVar:

NM_005359.6(SMAD4):c.1220T>C (p.Val407Ala)

Gene: SMAD4 (SMAD family member 4; plus strand). Cytogenetic location: 18q21.2.
Variant type: single nucleotide variant.
Coding change: c.1220T>C on transcript NM_005359.6 (MANE Select); coding-DNA position 1220, T replaced by C.
Protein change: p.Val407Ala; replaces valine 407 with alanine.
Molecular consequence: missense variant. On other transcripts: non-coding transcript variant (1).
Genome position (GRCh38, 1-based): chr18:51,067,099, T>C. VCF-style: chr18-51067099-T-C. GRCh37 (hg19) VCF-style: chr18-48593469-T-C.
Other names: c.1220T>C, p.Val407Ala (NM_001407042.1, NM_001407041.1); short protein forms V407A.
Identifiers: ClinVar variation 4044247 (VCV004044247.2).

ClinVar aggregate classification (germline): Uncertain significance (1 of 4 stars; one submission).

Conditions:
Familial thoracic aortic aneurysm and aortic dissection (TAAD). Also called: Thoracic aortic aneurysms and dissections. Identifiers: Orphanet 91387, MedGen C4707243, MONDO:0019625.
Hereditary cancer-predisposing syndrome. Also called: Neoplastic Syndromes, Hereditary; Tumor predisposition; Hereditary Cancer Syndrome; Hereditary neoplastic syndrome. Identifiers: Orphanet 140162, MedGen C0027672, MeSH D009386, MONDO:0015356.

Submission:

Ambry Genetics
Classification: Uncertain significance for Hereditary cancer-predisposing syndrome; Familial thoracic aortic aneurysm and aortic dissection. Last evaluated: 2026-05-29. Review status: criteria provided, single submitter. Criteria: Ambry Variant Classification Scheme 2023. Collection method: clinical testing. Allele origin: germline.
Comment: The p.V407A variant (also known as c.1220T>C), located in coding exon 9 of the SMAD4 gene, results from a T to C substitution at nucleotide position 1220. The valine at codon 407 is replaced by alanine, an amino acid with similar properties. This amino acid position is conserved. In addition, this alteration is predicted to be deleterious by in silico analysis. Based on the available evidence, the clinical significance of this variant remains unclear.